The following is an entry in ClinVar:

ClinVar aggregate classification (germline): Conflicting classifications of pathogenicity. Review status: criteria provided, conflicting classifications (1 of 4 stars). 2 submissions from 2 submitters: Uncertain significance (1); Likely benign (1). Last evaluated 2025-03-26.

Allele frequency attached by ClinVar (database versions not stated): gnomAD exomes 0.00018; ExAC 0.00023.
gnomAD v4.1: 227 of 1,199,417 alleles (0.019%); highest among the groups gnomAD compares: South Asian, 0.066%; 3 homozygotes.

Submissions (2):

Ambry Genetics
Classification: Uncertain significance. Last evaluated: 2025-03-26. Review status: criteria provided, single submitter. Criteria: Ambry Variant Classification Scheme 2023. Collection method: clinical testing. Allele origin: germline.

CeGaT Center for Human Genetics Tuebingen
Classification: Likely benign. Last evaluated: 2022-11-01. Review status: criteria provided, single submitter. Criteria: CeGaT Center For Human Genetics Tuebingen Variant Classification Criteria Version 2. Collection method: clinical testing. Allele origin: germline. Affected: yes. Observed: 1 variant allele.
Comment: EOLA2: PP3, BS2

NM_001013845.2(EOLA2):c.82C>T (p.Arg28Cys)

Gene: EOLA2 (endothelium and lymphocyte associated ASCH domain 2; minus strand). Cytogenetic location: Xq28.
Variant type: single nucleotide variant.
Coding change: c.82C>T on transcript NM_001013845.2 (MANE Select); coding-DNA position 82, C replaced by T.
Protein change: p.Arg28Cys; replaces arginine 28 with cysteine.
Molecular consequence: missense variant.
Genome position (GRCh38, 1-based): chrX:149,933,793, G>A on the plus strand (C>T on the coding strand, the complement: EOLA2 is on the minus strand). VCF-style: chrX-149933793-G-A. GRCh37 (hg19) VCF-style: chrX-149102011-G-A.
Other names: short protein forms R28C.
Identifiers: ClinVar variation 2661628 (VCV002661628.24), dbSNP rs201467089, ClinGen allele CA10538545.
Genomic context (GRCh38, chrX:149,933,793, plus strand): 5'-AGTCCCTGTGAGCAATGTGGACGGCGATGGTACAGTTCCGCTGGCTGCTCAGCAGAGGAC[G>A]CCAGCGCGTCTCCACAGTCTTGATTCCATTTAAGACAAAGCCAGCATAAGGCTGCCGGAA-3'
Protein context (NP_001013867.1, residues 18-38): NGIKTVETRW[Arg28Cys]PLLSSQRNCT